The following is an entry in ClinVar:

ClinVar aggregate classification (germline): Uncertain significance (1 of 4 stars; one submission).

gnomAD v4.1: 1 of 1,612,928 alleles (0.000062%); no homozygotes.

Submission:

Women's Health and Genetics/Laboratory Corporation of America, LabCorp
Classification: Uncertain significance. Last evaluated: 2024-05-14. Review status: criteria provided, single submitter. Criteria: LabCorp Variant Classification Summary - May 2015. Collection method: clinical testing. Allele origin: germline.
Comment: Variant summary: COL11A2 c.1945G>A (p.Gly649Arg) results in a non-conservative amino acid change in the encoded protein sequence. Five of five in-silico tools predict a damaging effect of the variant on protein function. The variant allele was found at a frequency of 4.1e-06 in 246044 control chromosomes. The available data on variant occurrences in the general population are insufficient to allow any conclusion about variant significance. To our knowledge, no occurrence of c.1945G>A in individuals affected with COL11A2-Related Disorders and no experimental evidence demonstrating its impact on protein function have been reported. No submitters have cited clinical-significance assessments for this variant to ClinVar. Based on the evidence outlined above, the variant was classified as uncertain significance.

NM_080680.3(COL11A2):c.1945G>A (p.Gly649Arg)

Gene: COL11A2 (collagen type XI alpha 2 chain; minus strand). Cytogenetic location: 6p21.32.
Variant type: single nucleotide variant.
Coding change: c.1945G>A on transcript NM_080680.3 (MANE Select); coding-DNA position 1945, G replaced by A.
Protein change: p.Gly649Arg; replaces glycine 649 with arginine.
Molecular consequence: missense variant. On other transcripts: 5 prime UTR variant (1).
Genome position (GRCh38, 1-based): chr6:33,177,438, C>T on the plus strand (G>A on the coding strand, the complement: COL11A2 is on the minus strand). VCF-style: chr6-33177438-C-T. GRCh37 (hg19) VCF-style: chr6-33145215-C-T.
Other names: c.1765G>A, p.Gly589Arg (NM_001424108.1); c.1099G>A, p.Gly367Arg (NM_001424109.1); c.919G>A, p.Gly307Arg (NM_001424110.1, NM_001424111.1); c.-102G>A (NM_001424112.1); c.1624G>A, p.Gly542Arg (NM_080679.3); c.1687G>A, p.Gly563Arg (NM_080681.3); short protein forms G307R, G367R, G542R, G563R, G589R, G649R.
Identifiers: ClinVar variation 3335961 (VCV003335961.1).
Genomic context (GRCh38, chr6:33,177,438, plus strand): 5'-GAAAATTGGGGAACGGAGTAGGGGCACCGCTCACCTGGGTCCCAGGGGTGCCCTGTTGTC[C>T]AGGAGGTCCTGGCTCTCCCTGGGGTCCCTAGAAACAGGTGACCAGGCACAGGTCAGAAGG-3'
Protein context (NP_542411.2, residues 639-659): LGPQGEPGPP[Gly649Arg]QQGTPGTQGL